The following is an entry in ClinVar:

NM_004525.3(LRP2):c.6523C>T (p.Arg2175Trp)

Gene: LRP2 (LDL receptor related protein 2; minus strand). Cytogenetic location: 2q31.1.
Variant type: single nucleotide variant.
Coding change: c.6523C>T on transcript NM_004525.3 (MANE Select); coding-DNA position 6523, C replaced by T.
Protein change: p.Arg2175Trp; replaces arginine 2175 with tryptophan.
Molecular consequence: missense variant.
Genome position (GRCh38, 1-based): chr2:169,207,197, G>A on the plus strand (C>T on the coding strand, the complement: LRP2 is on the minus strand). VCF-style: chr2-169207197-G-A. GRCh37 (hg19) VCF-style: chr2-170063707-G-A.
Other names: short protein forms R2175W.
Identifiers: ClinVar variation 1406404 (VCV001406404.4), dbSNP rs139177669, ClinGen allele CA1954258.
Genomic context (GRCh38, chr2:169,207,197, plus strand): 5'-TATGCCTAGGCATGTCCACTGTGACTTTAAGAAGAACACGGCGGTAAGTAGTATTGATCC[G>A]CAGAACTTCTATCAGTGTTTCAGAAACAAAGGCATTGGTGAAATAAAGATTTCCTATGGG-3'
Protein context (NP_004516.2, residues 2165-2185): FVSETLIEVL[Arg2175Trp]INTTYRRVLL

ClinVar aggregate classification (germline): Uncertain significance. Review status: criteria provided, multiple submitters, no conflicts (2 of 4 stars). 2 submissions from 2 submitters: Uncertain significance (2). Last evaluated 2024-04-20.

Conditions:
Donnai-Barrow syndrome. Also called: DBS/FOAR SYNDROME; FACIOOCULOACOUSTICORENAL SYNDROME. Identifiers: Orphanet 2143, MedGen C1857277, MONDO:0009104, OMIM 222448.

Allele frequency attached by ClinVar (database versions not stated): gnomAD 0.00005; gnomAD exomes 0.00005 and 0.00007; TOPMed 0.00007; ExAC 0.00008; ESP Exome Variant Server 0.00008.
gnomAD v4.1: 82 of 1,613,810 alleles (0.0051%); highest among the groups gnomAD compares: African/African-American, 0.0053%; no homozygotes.

Submissions (2):

Fulgent Genetics
Classification: Uncertain significance for Donnai-Barrow syndrome. Last evaluated: 2024-04-20. Review status: criteria provided, single submitter. Criteria: ACMG Guidelines, 2015. Collection method: clinical testing. Allele origin: germline.

Labcorp Genetics (formerly Invitae), Labcorp
Classification: Uncertain significance. Last evaluated: 2022-07-06. Review status: criteria provided, single submitter. Criteria: Invitae Variant Classification Sherloc (09022015). Collection method: clinical testing. Allele origin: germline.
Comment: This sequence change replaces arginine, which is basic and polar, with tryptophan, which is neutral and slightly polar, at codon 2175 of the LRP2 protein (p.Arg2175Trp). This variant is present in population databases (rs139177669, gnomAD 0.1%). This variant has not been reported in the literature in individuals affected with LRP2-related conditions. ClinVar contains an entry for this variant (Variation ID: 1406404). Algorithms developed to predict the effect of missense changes on protein structure and function are either unavailable or do not agree on the potential impact of this missense change (SIFT: "Tolerated"; PolyPhen-2: "Probably Damaging"; Align-GVGD: "Class C0"). In summary, the available evidence is currently insufficient to determine the role of this variant in disease. Therefore, it has been classified as a Variant of Uncertain Significance.